The following is an entry in ClinVar:

NM_001135146.2(SLC39A8):c.77G>A (p.Gly26Glu)

Genes: SLC39A8 (solute carrier family 39 member 8; minus strand), LOC129992876 (ATAC-STARR-seq lymphoblastoid silent region 15595; plus strand). Cytogenetic location: 4q24.
Variant type: single nucleotide variant.
Coding change: c.77G>A on transcript NM_001135146.2 (MANE Select); coding-DNA position 77, G replaced by A.
Protein change: p.Gly26Glu; replaces glycine 26 with glutamic acid.
Molecular consequence: missense variant.
Genome position (GRCh38, 1-based): chr4:102,344,586, C>T on the plus strand (G>A on the coding strand, the complement: SLC39A8 is on the minus strand). VCF-style: chr4-102344586-C-T. GRCh37 (hg19) VCF-style: chr4-103265743-C-T.
Other names: c.77G>A, p.Gly26Glu (NM_001135147.1, NM_022154.5); short protein forms G26E.
Identifiers: ClinVar variation 2070815 (VCV002070815.5), dbSNP rs763880834, ClinGen allele CA357956963.

ClinVar aggregate classification (germline): Uncertain significance. Review status: criteria provided, multiple submitters, no conflicts (2 of 4 stars). 2 submissions from 2 submitters: Uncertain significance (2). Last evaluated 2025-03-31.

Conditions:
Inborn genetic diseases. Identifiers: MedGen C0950123, MeSH D030342.

gnomAD v4.1: 3 of 1,546,358 alleles (0.00019%); highest among the groups gnomAD compares: Admixed American, 0.002%; no homozygotes.

Submissions (2):

Ambry Genetics
Classification: Uncertain significance for Inborn genetic diseases. Last evaluated: 2025-03-31. Review status: criteria provided, single submitter. Criteria: Ambry Variant Classification Scheme 2023. Collection method: clinical testing. Allele origin: germline.

Labcorp Genetics (formerly Invitae), Labcorp
Classification: Uncertain significance. Last evaluated: 2022-07-18. Review status: criteria provided, single submitter. Criteria: Invitae Variant Classification Sherloc (09022015). Collection method: clinical testing. Allele origin: germline.
Comment: Algorithms developed to predict the effect of missense changes on protein structure and function output the following: SIFT: "Tolerated"; PolyPhen-2: "Benign"; Align-GVGD: "Class C0". The glutamic acid amino acid residue is found in multiple mammalian species, which suggests that this missense change does not adversely affect protein function. This variant has not been reported in the literature in individuals affected with SLC39A8-related conditions. The frequency data for this variant in the population databases is considered unreliable, as metrics indicate poor data quality at this position in the gnomAD database. This sequence change replaces glycine, which is neutral and non-polar, with glutamic acid, which is acidic and polar, at codon 26 of the SLC39A8 protein (p.Gly26Glu). In summary, the available evidence is currently insufficient to determine the role of this variant in disease. Therefore, it has been classified as a Variant of Uncertain Significance.